The following is an entry in ClinVar:

ClinVar aggregate classification (germline): Conflicting classifications of pathogenicity. Review status: criteria provided, conflicting classifications (1 of 4 stars). 4 submissions from 4 submitters: Uncertain significance (1); Benign (1); Likely benign (2). Last evaluated 2025-09-01.

Conditions:
Hereditary cancer-predisposing syndrome. Also called: Tumor predisposition; Hereditary Cancer Syndrome; Neoplastic Syndromes, Hereditary; Hereditary neoplastic syndrome. Identifiers: Orphanet 140162, MedGen C0027672, MeSH D009386, MONDO:0015356.
Tuberous sclerosis 1 (TSC1). Identifiers: Orphanet 805, MedGen C1854465, MONDO:0008612, OMIM 191100.
Tuberous sclerosis syndrome (TSC). Also called: Tuberous Sclerosis Complex; Tuberous sclerosis. Identifiers: Orphanet 805, MedGen C0041341, MONDO:0001734.

Submissions (4):

Color Diagnostics, LLC DBA Color Health
Classification: Uncertain significance for Tuberous sclerosis syndrome. Last evaluated: 2025-09-01. Review status: criteria provided, single submitter. Criteria: ACMG Guidelines, 2015. Collection method: clinical testing. Allele origin: germline.
Comment: This missense variant replaces methionine with threonine at codon 322 of the TSC1 protein. To our knowledge, functional studies have not been reported for this variant. This variant has not been reported in individuals affected with TSC1-related disorders in the literature. This variant has not been identified in the general population by the Genome Aggregation Database (gnomAD). The available evidence is insufficient to determine the role of this variant in disease conclusively. Therefore, this variant is classified as a Variant of Uncertain Significance.

Myriad Genetics, Inc.
Classification: Benign for Tuberous sclerosis 1. Last evaluated: 2025-04-09. Review status: criteria provided, single submitter. Criteria: Myriad Autosomal Dominant, Autosomal Recessive and X-Linked Classification Criteria (2023). Collection method: clinical testing. Allele origin: unknown.
Comment: This variant is considered benign. This variant has been observed at a population frequency that is significantly greater than expected given the associated disease prevalence and penetrance.

Labcorp Genetics (formerly Invitae), Labcorp
Classification: Likely benign for Tuberous sclerosis 1. Last evaluated: 2024-07-19. Review status: criteria provided, single submitter. Criteria: Invitae Variant Classification Sherloc (09022015). Collection method: clinical testing. Allele origin: germline.

Ambry Genetics
Classification: Likely benign for Hereditary cancer-predisposing syndrome. Last evaluated: 2022-05-13. Review status: criteria provided, single submitter. Criteria: Ambry Variant Classification Scheme 2023. Collection method: clinical testing. Allele origin: germline.

NM_000368.5(TSC1):c.965_966delinsCT (p.Met322Thr)

Gene: TSC1 (TSC complex subunit 1; minus strand). Cytogenetic location: 9q34.13.
Variant type: Indel.
Coding change: c.965_966delinsCT on transcript NM_000368.5 (MANE Select); coding-DNA positions 965 to 966, TG replaced by CT.
Protein change: p.Met322Thr; replaces methionine 322 with threonine.
Molecular consequence: missense variant.
Genome position (GRCh38, 1-based): chr9:132,911,516-132,911,517, CA replaced by AG on the plus strand (TG replaced by CT on the coding strand, the reverse complement: TSC1 is on the minus strand). VCF-style: chr9-132911516-CA-AG. GRCh37 (hg19) VCF-style: chr9-135786903-CA-AG.
Other names: c.965_966delinsCT, p.Met322Thr (NM_001162426.2); c.812_813delinsCT, p.Met271Thr (NM_001162427.2); c.602_603delinsCT, p.Met201Thr (NM_001362177.2); short protein forms M271T, M201T, M322T.
Identifiers: ClinVar variation 759562 (VCV000759562.13), dbSNP rs1588324568, ClinGen allele CA915947255.